The following is an entry in ClinVar:

NM_000302.4(PLOD1):c.535G>T (p.Asp179Tyr)

Gene: PLOD1 (procollagen-lysine,2-oxoglutarate 5-dioxygenase 1; plus strand). Cytogenetic location: 1p36.22.
Variant type: single nucleotide variant.
Coding change: c.535G>T on transcript NM_000302.4 (MANE Select); coding-DNA position 535, G replaced by T.
Protein change: p.Asp179Tyr; replaces aspartic acid 179 with tyrosine.
Molecular consequence: missense variant.
Genome position (GRCh38, 1-based): chr1:11,952,691, G>T. VCF-style: chr1-11952691-G-T. GRCh37 (hg19) VCF-style: chr1-12012748-G-T.
Other names: p.Asp179Tyr; c.676G>T, p.Asp226Tyr (NM_001316320.2); short protein forms D179Y, D226Y.
Identifiers: ClinVar variation 459822 (VCV000459822.20), dbSNP rs188165334, ClinGen allele CA597932.

ClinVar aggregate classification (germline): Likely benign. Review status: criteria provided, multiple submitters, no conflicts (2 of 4 stars). 5 submissions from 5 submitters: Likely benign (5). Last evaluated 2026-03-03.

Conditions:
Familial thoracic aortic aneurysm and aortic dissection (TAAD). Also called: Thoracic aortic aneurysms and dissections. Identifiers: Orphanet 91387, MedGen C4707243, MONDO:0019625.
Ehlers-Danlos syndrome, kyphoscoliotic type 1 (EDSKSCL1). Also called: Ehlers-Danlos syndrome, hydroxylysine-deficient; EHLERS-DANLOS SYNDROME, OCULAR-SCOLIOTIC TYPE; PLOD1-Related Kyphoscoliotic Ehlers-Danlos Syndrome; EHLERS-DANLOS SYNDROME, TYPE VIA. Identifiers: Orphanet 1900, MedGen C0268342, MONDO:0016002, OMIM 225400. Disease mechanism: loss of function.

Allele frequency attached by ClinVar (database versions not stated): TOPMed 0.00002; ESP Exome Variant Server 0.00008; 1000 Genomes Project 30x 0.00016; 1000 Genomes Project 0.00020.

Submissions (5):

Women's Health and Genetics/Laboratory Corporation of America, LabCorp
Classification: Likely benign. Last evaluated: 2026-03-03. Review status: criteria provided, single submitter. Criteria: LabCorp Variant Classification Summary - May 2015. Collection method: clinical testing. Allele origin: germline.
Comment: Variant summary: PLOD1 c.535G>T (p.Asp179Tyr) results in a non-conservative amino acid change in the encoded protein sequence. Algorithms developed to predict the effect of missense changes on protein structure and function are either unavailable or do not agree on the potential impact of this missense change. The variant allele was found at a frequency of 0.00053 in 251410 control chromosomes, predominantly at a frequency of 0.0051 within the Non-Finnish European subpopulation in the gnomAD database, including 3 homozygotes. The observed variant frequency within Non-Finnish European control individuals in the gnomAD database exceeds the estimated maximal expected allele frequency for disease-causing variants in PLOD1. To our knowledge, no occurrence of c.535G>T in individuals affected with PLOD1-related conditions and no experimental evidence demonstrating its impact on protein function have been reported. ClinVar contains an entry for this variant (Variation ID: 459822). Based on the evidence outlined above, the variant was classified as likely benign.

Labcorp Genetics (formerly Invitae), Labcorp
Classification: Likely benign for Ehlers-Danlos syndrome, kyphoscoliotic type 1. Last evaluated: 2026-01-04. Review status: criteria provided, single submitter. Criteria: Invitae Variant Classification Sherloc (09022015). Collection method: clinical testing. Allele origin: germline.

Mayo Clinic Laboratories, Mayo Clinic
Classification: Likely benign. Last evaluated: 2025-12-18. Review status: criteria provided, single submitter. Criteria: ACMG Guidelines, 2015. Collection method: clinical testing. Allele origin: germline. Observed: 3 variant alleles.
Comment: BS1, BS2, PP3

Blueprint Genetics
Classification: Likely benign. Last evaluated: 2024-09-19. Review status: criteria provided, single submitter. Criteria: ACMG Guidelines, 2015. Collection method: clinical testing. Allele origin: germline.

Ambry Genetics
Classification: Likely benign for Familial thoracic aortic aneurysm and aortic dissection. Last evaluated: 2023-04-24. Review status: criteria provided, single submitter. Criteria: Ambry Variant Classification Scheme 2023. Collection method: clinical testing. Allele origin: germline.